The following is an entry in ClinVar:

ClinVar aggregate classification (germline): Uncertain significance. Review status: criteria provided, single submitter (1 of 4 stars). 2 submissions from 2 submitters: Uncertain significance (1). 1 of the submissions does not count toward it. Last evaluated 2022-08-23.

Conditions:
Goldberg-Shprintzen syndrome. Identifiers: Orphanet 66629, MedGen C1836123, MONDO:0012280, OMIM 609460.

Allele frequency attached by ClinVar (database versions not stated): TOPMed 0.00002; ExAC 0.00003; gnomAD 0.00003; gnomAD exomes 0.00003 and 0.00006; ESP Exome Variant Server 0.00015.
gnomAD v4.1: 87 of 1,614,126 alleles (0.0054%); highest among the groups gnomAD compares: Non-Finnish European, 0.0072%; no homozygotes.

Submissions (2):

Labcorp Genetics (formerly Invitae), Labcorp
Classification: Uncertain significance. Last evaluated: 2022-08-23. Review status: criteria provided, single submitter. Criteria: Invitae Variant Classification Sherloc (09022015). Collection method: clinical testing. Allele origin: germline.
Comment: In summary, the available evidence is currently insufficient to determine the role of this variant in disease. Therefore, it has been classified as a Variant of Uncertain Significance. Studies have shown that this missense change alters KIF1BP gene expression (PMID: 32939943). Algorithms developed to predict the effect of missense changes on protein structure and function are either unavailable or do not agree on the potential impact of this missense change (SIFT: "Tolerated"; PolyPhen-2: "Probably Damaging"; Align-GVGD: "Class C0"). This sequence change replaces serine, which is neutral and polar, with glycine, which is neutral and non-polar, at codon 427 of the KIF1BP protein (p.Ser427Gly). This variant is present in population databases (rs370902866, gnomAD 0.006%). This missense change has been observed in individual(s) with Goldberg-Shprintzen megacolon syndrome (PMID: 32939943). ClinVar contains an entry for this variant (Variation ID: 691484).

Clinical Genetics, Erasmus University Medical Center
Classification: Uncertain significance for Goldberg-Shprintzen Syndrome. Last evaluated: 2019-05-16. Review status: no assertion criteria provided. Collection method: clinical testing. Allele origin: germline. Affected: no. Not counted in ClinVar's aggregate classification.

Literature cited by the submitters: PubMed 32939943 (cited by Labcorp Genetics (formerly Invitae), Labcorp).

NM_015634.4(KIFBP):c.1279A>G (p.Ser427Gly)

Gene: KIFBP (kinesin family binding protein; plus strand). Cytogenetic location: 10q22.1.
Variant type: single nucleotide variant.
Coding change: c.1279A>G on transcript NM_015634.4 (MANE Select); coding-DNA position 1279, A replaced by G.
Protein change: p.Ser427Gly; replaces serine 427 with glycine.
Molecular consequence: missense variant.
Genome position (GRCh38, 1-based): chr10:69,015,829, A>G. VCF-style: chr10-69015829-A-G. GRCh37 (hg19) VCF-style: chr10-70775585-A-G.
Other names: short protein forms S427G.
Identifiers: ClinVar variation 691484 (VCV000691484.9), dbSNP rs370902866, ClinGen allele CA5529879.